The following is an entry in ClinVar:

NM_000152.5(GAA):c.1047C>T (p.Ser349=)

Gene: GAA (alpha glucosidase; plus strand). Cytogenetic location: 17q25.3.
Variant type: single nucleotide variant.
Coding change: c.1047C>T on transcript NM_000152.5 (MANE Select); coding-DNA position 1047, C replaced by T.
Protein change: p.Ser349=; no amino-acid change (serine 349 retained).
Molecular consequence: synonymous variant.
Genome position (GRCh38, 1-based): chr17:80,108,381, C>T. VCF-style: chr17-80108381-C-T. GRCh37 (hg19) VCF-style: chr17-78082180-C-T.
Other names: c.1047C>T (NM_000152.4); c.1047C>T, p.Ser349= (NM_001079803.3, NM_001079804.3).
Identifiers: ClinVar variation 597962 (VCV000597962.26), dbSNP rs138262940, ClinGen allele CA8815132.

ClinVar aggregate classification (germline): Conflicting classifications of pathogenicity. Review status: criteria provided, conflicting classifications (1 of 4 stars). 8 submissions from 8 submitters: Uncertain significance (2); Likely benign (5). 1 of the submissions does not count toward it. Last evaluated 2026-07-01.

Conditions:
Cardiovascular phenotype. Identifiers: MedGen CN230736.
Glycogen storage disease, type II (IOPD). Also called: POMPE DISEASE, INFANTILE-ONSET; GLYCOGEN STORAGE DISEASE II, INFANTILE-ONSET; ACID ALPHA-GLUCOSIDASE DEFICIENCY, INFANTILE-ONSET; GAA DEFICIENCY, INFANTILE-ONSET; ACID MALTASE DEFICIENCY, INFANTILE-ONSET; Glucosidase acid-1,4-alpha deficiency. Identifiers: Orphanet 365, MedGen C0017921, MONDO:0009290, OMIM 232300.
GAA-related disorder. Also called: GAA-related condition.

Allele frequency attached by ClinVar (database versions not stated): ESP Exome Variant Server 0.00008; 1000 Genomes Project 30x 0.00016; 1000 Genomes Project 0.00020; gnomAD 0.00001 and 0.00002; ExAC 0.00002; gnomAD exomes 0.00002; TOPMed 0.00003.
gnomAD v4.1: 59 of 1,613,514 alleles (0.0037%); highest among the groups gnomAD compares: Non-Finnish European, 0.0047%; no homozygotes.

Submissions (8):

Genomenon, Inc
Classification: Likely benign for Glycogen storage disease, type II. Last evaluated: 2026-07-01. Review status: criteria provided, single submitter. Criteria: Genomenon Sequence Variant Interpretation Standards - Updated. Collection method: curation. Allele origin: germline. Affected: no.
Comment: GAA c.1047C>T is a synonymous variant that retains Serine at codon 349. This variant has been reported in the published literature (PMID:29149851). It is absent or not present at a significant frequency in gnomAD. This variant is not predicted to impact splicing. In conclusion, we classify GAA c.1047C>T (p.Ser349=) as a likely benign variant.

Labcorp Genetics (formerly Invitae), Labcorp
Classification: Likely benign for Glycogen storage disease, type II. Last evaluated: 2026-01-20. Review status: criteria provided, single submitter. Criteria: Invitae Variant Classification Sherloc (09022015). Collection method: clinical testing. Allele origin: germline.

Blueprint Genetics
Classification: Likely benign. Last evaluated: 2023-04-25. Review status: criteria provided, single submitter. Criteria: ACMG Guidelines, 2015. Collection method: clinical testing. Allele origin: germline.

Ambry Genetics
Classification: Likely benign for Cardiovascular phenotype. Last evaluated: 2022-09-02. Review status: criteria provided, single submitter. Criteria: Ambry Variant Classification Scheme 2023. Collection method: clinical testing. Allele origin: germline.

Genome-Nilou Lab
Classification: Uncertain significance for Glycogen storage disease, type II. Last evaluated: 2021-07-22. Review status: criteria provided, single submitter. Criteria: ACMG Guidelines, 2015. Collection method: clinical testing. Allele origin: germline. Affected: no.

GeneDx
Classification: Likely benign. Last evaluated: 2020-10-15. Review status: criteria provided, single submitter. Criteria: GeneDx Variant Classification Process June 2021. Collection method: clinical testing. Allele origin: germline. Affected: yes.

Eurofins Ntd Llc (ga)
Classification: Uncertain significance. Last evaluated: 2018-07-10. Review status: criteria provided, single submitter. Criteria: EGL ClinVar v180209 classification definitions. Collection method: clinical testing. Allele origin: germline. Observed: 1 variant allele, 1 heterozygote.

PreventionGenetics, part of Exact Sciences
Classification: Likely benign for GAA-related condition. Last evaluated: 2020-10-23. Review status: no assertion criteria provided. Collection method: clinical testing. Allele origin: germline. Not counted in ClinVar's aggregate classification.
Comment: This variant is classified as likely benign based on ACMG/AMP sequence variant interpretation guidelines (Richards et al. 2015 PMID: 25741868, with internal and published modifications).

Literature cited by the submitters: PubMed 29149851 (cited by Genomenon, Inc).